The following is an entry in ClinVar:

NM_006267.5(RANBP2):c.8269C>T (p.Leu2757Phe)

Gene: RANBP2 (RAN binding protein 2; plus strand). Cytogenetic location: 2q13.
Variant type: single nucleotide variant.
Coding change: c.8269C>T on transcript NM_006267.5 (MANE Select); coding-DNA position 8269, C replaced by T.
Protein change: p.Leu2757Phe; replaces leucine 2757 with phenylalanine.
Molecular consequence: missense variant.
Genome position (GRCh38, 1-based): chr2:108,773,023, C>T. VCF-style: chr2-108773023-C-T. GRCh37 (hg19) VCF-style: chr2-109389479-C-T.
Other names: short protein forms L2757F.
Identifiers: ClinVar variation 1019162 (VCV001019162.10), dbSNP rs1677618457, ClinGen allele CA348083025.

ClinVar aggregate classification (germline): Uncertain significance (1 of 4 stars; one submission).

Conditions:
Familial acute necrotizing encephalopathy (IIAE3). Also called: ENCEPHALOPATHY, ACUTE, INFECTION-INDUCED, SUSCEPTIBILITY TO, 3; Susceptibility to Acute Necrotizing Encephalopathy 1. Identifiers: Orphanet 88619, MedGen C2675556, MONDO:0011953, OMIM 608033.

Submission:

Labcorp Genetics (formerly Invitae), Labcorp
Classification: Uncertain significance for Familial acute necrotizing encephalopathy. Last evaluated: 2020-07-29. Review status: criteria provided, single submitter. Criteria: Invitae Variant Classification Sherloc (09022015). Collection method: clinical testing. Allele origin: germline.
Comment: This variant has not been reported in the literature in individuals with RANBP2-related conditions. This variant is not present in population databases (ExAC no frequency). This sequence change replaces leucine with phenylalanine at codon 2757 of the RANBP2 protein (p.Leu2757Phe). The leucine residue is highly conserved and there is a small physicochemical difference between leucine and phenylalanine. Algorithms developed to predict the effect of missense changes on protein structure and function output the following: SIFT: "Deleterious"; PolyPhen-2: "Benign"; Align-GVGD: "Class C0". The phenylalanine amino acid residue is found in multiple mammalian species, suggesting that this missense change does not adversely affect protein function. These predictions have not been confirmed by published functional studies and their clinical significance is uncertain. In summary, the available evidence is currently insufficient to determine the role of this variant in disease. Therefore, it has been classified as a Variant of Uncertain Significance.